The following is an entry in ClinVar:

NM_014797.3(ZBTB24):c.875C>T (p.Pro292Leu)

Gene: ZBTB24 (zinc finger and BTB domain containing 24; minus strand). Cytogenetic location: 6q21.
Variant type: single nucleotide variant.
Coding change: c.875C>T on transcript NM_014797.3 (MANE Select); coding-DNA position 875, C replaced by T.
Protein change: p.Pro292Leu; replaces proline 292 with leucine.
Molecular consequence: missense variant.
Genome position (GRCh38, 1-based): chr6:109,481,152, G>A on the plus strand (C>T on the coding strand, the complement: ZBTB24 is on the minus strand). VCF-style: chr6-109481152-G-A. GRCh37 (hg19) VCF-style: chr6-109802355-G-A.
Other names: c.875C>T, p.Pro292Leu (NM_001164313.2); short protein forms P292L.
Identifiers: ClinVar variation 1064209 (VCV001064209.7), dbSNP rs1191178280, ClinGen allele CA365207673.
Genomic context (GRCh38, chr6:109,481,152, plus strand): 5'-TGGATTGCTAAAAAGTGATTGTACTTAAAGACCTTGCCACAGTCTTTACAGCGGGCCTCA[G>A]GGCCTCCAGGGCGCTTTCTCCTTCCACAGATCCTCTTGGCTGAACCATGGTCCTCTTGAT-3'
Protein context (NP_055612.2, residues 282-302): ICGRRKRPGG[Pro292Leu]EARCKDCGKV

ClinVar aggregate classification (germline): Uncertain significance (1 of 4 stars; one submission).

Conditions:
Immunodeficiency-centromeric instability-facial anomalies syndrome 2 (ICF2). Identifiers: Orphanet 2268, MedGen C3279748, MONDO:0013553, OMIM 614069.

Allele frequency attached by ClinVar (database versions not stated): gnomAD exomes below 0.00001.
gnomAD v4.1: 2 of 1,614,194 alleles (0.00012%); highest among the groups gnomAD compares: South Asian, 0.0011%; no homozygotes.

Submission:

Labcorp Genetics (formerly Invitae), Labcorp
Classification: Uncertain significance for Immunodeficiency-centromeric instability-facial anomalies syndrome 2. Last evaluated: 2020-02-25. Review status: criteria provided, single submitter. Criteria: Invitae Variant Classification Sherloc (09022015). Collection method: clinical testing. Allele origin: germline.
Comment: This sequence change replaces proline with leucine at codon 292 of the ZBTB24 protein (p.Pro292Leu). The proline residue is highly conserved and there is a moderate physicochemical difference between proline and leucine. This variant is not present in population databases (ExAC no frequency). This variant has not been reported in the literature in individuals with ZBTB24-related conditions. Algorithms developed to predict the effect of missense changes on protein structure and function are either unavailable or do not agree on the potential impact of this missense change (SIFT: "Not Available"; PolyPhen-2: "Benign"; Align-GVGD: "Class Not Available"). In summary, the available evidence is currently insufficient to determine the role of this variant in disease. Therefore, it has been classified as a Variant of Uncertain Significance.